The following is an entry in ClinVar:

ClinVar aggregate classification (germline): Conflicting classifications of pathogenicity. Review status: criteria provided, conflicting classifications (1 of 4 stars). 4 submissions from 4 submitters: Pathogenic (1); Likely pathogenic (2); Uncertain significance (1). Last evaluated 2025-09-25.

Conditions:
Primary ciliary dyskinesia. Also called: Ciliary dyskinesia. Identifiers: Orphanet 244, MedGen C0008780, MONDO:0016575, HP:0012265.
Primary ciliary dyskinesia 7. Also called: CILIARY DYSKINESIA, PRIMARY, 7, WITH OR WITHOUT SITUS INVERSUS. Identifiers: Orphanet 244, MedGen C2678473, MONDO:0012748, OMIM 611884.

Allele frequency attached by ClinVar (database versions not stated): gnomAD exomes below 0.00001; ExAC 0.00001; gnomAD 0.00002 and 0.00003; TOPMed 0.00002.
gnomAD v4.1: 12 of 1,613,482 alleles (0.00074%); highest among the groups gnomAD compares: East Asian, 0.0022%; no homozygotes.

Submissions (4):

Women's Health and Genetics/Laboratory Corporation of America, LabCorp
Classification: Likely pathogenic for Primary ciliary dyskinesia 7. Last evaluated: 2025-09-25. Review status: criteria provided, single submitter. Criteria: LabCorp Variant Classification Summary - May 2015. Collection method: clinical testing. Allele origin: germline.
Comment: Variant summary: DNAH11 c.6527C>T (p.Ala2176Val) results in a non-conservative amino acid change located in the Dynein heavy chain, hydrolytic ATP-binding dynein motor region (IPR035699) of the encoded protein sequence. Algorithms developed to predict the effect of missense changes on protein structure and function are either unavailable or do not agree on the potential impact of this missense change. The variant allele was found at a frequency of 4e-06 in 249030 control chromosomes. c.6527C>T has been observed in individual(s) affected with Primary Ciliary Dyskinesia (internal data). These data indicate that the variant may be associated with disease. To our knowledge, no experimental evidence demonstrating an impact on protein function has been reported. ClinVar contains an entry for this variant (Variation ID: 410873). Based on the evidence outlined above, the variant was classified as likely pathogenic.

Broad Center for Mendelian Genomics, Broad Institute of MIT and Harvard
Classification: Uncertain significance for Primary ciliary dyskinesia 7. Last evaluated: 2025-02-14. Review status: criteria provided, single submitter. Criteria: ACMG Guidelines, 2015. Collection method: curation. Allele origin: germline. Inheritance: Autosomal recessive inheritance.
Comment: The p.Ala2176Val variant in DNAH11 has not been previously reported in the literature in individuals with primary ciliary dyskinesia, but has been identified in 0.002% (1/44880) of East Asian chromosomes by the Genome Aggregation Database (gnomAD; dbSNP rs770279400). Although this variant has been seen in the general population in a heterozygous state, its frequency is not high enough to rule out a pathogenic role. This variant has also been reported in ClinVar (Variation ID: 410873) and has been interpreted as a variant of uncertain significance by Women's Health and Genetics/Laboratory Corporation of America (LabCorp) and as pathogenic by Labcorp Genetics (formerly Invitae). Computational prediction tools and conservation analyses suggest that this variant may impact the protein, though this information is not predictive enough to determine pathogenicity. In summary, the clinical significance of the p.Ala2176Val variant is uncertain. ACMG/AMP Criteria applied: PP3, PM2_supporting (Richards 2015).

Fulgent Genetics
Classification: Likely pathogenic for Primary ciliary dyskinesia 7. Last evaluated: 2024-05-13. Review status: criteria provided, single submitter. Criteria: ACMG Guidelines, 2015. Collection method: clinical testing. Allele origin: germline.

Labcorp Genetics (formerly Invitae), Labcorp
Classification: Pathogenic for Primary ciliary dyskinesia. Last evaluated: 2024-02-24. Review status: criteria provided, single submitter. Criteria: Invitae Variant Classification Sherloc (09022015). Collection method: clinical testing. Allele origin: germline.
Comment: This sequence change replaces alanine, which is neutral and non-polar, with valine, which is neutral and non-polar, at codon 2176 of the DNAH11 protein (p.Ala2176Val). The frequency data for this variant in the population databases is considered unreliable, as metrics indicate poor data quality at this position in the gnomAD database. This missense change has been observed in individual(s) with primary ciliary (Invitae). ClinVar contains an entry for this variant (Variation ID: 410873). Advanced modeling of protein sequence and biophysical properties (such as structural, functional, and spatial information, amino acid conservation, physicochemical variation, residue mobility, and thermodynamic stability) has been performed at Invitae for this missense variant, however the output from this modeling did not meet the statistical confidence thresholds required to predict the impact of this variant on DNAH11 protein function. Algorithms developed to predict the effect of sequence changes on RNA splicing suggest that this variant may disrupt the consensus splice site. For these reasons, this variant has been classified as Pathogenic.

NM_001277115.2(DNAH11):c.6527C>T (p.Ala2176Val)

Gene: DNAH11 (dynein axonemal heavy chain 11; plus strand). Cytogenetic location: 7p15.3.
Variant type: single nucleotide variant.
Coding change: c.6527C>T on transcript NM_001277115.2 (MANE Select); coding-DNA position 6527, C replaced by T.
Protein change: p.Ala2176Val; replaces alanine 2176 with valine.
Molecular consequence: missense variant.
Genome position (GRCh38, 1-based): chr7:21,705,518, C>T. VCF-style: chr7-21705518-C-T. GRCh37 (hg19) VCF-style: chr7-21745136-C-T.
Other names: NM_001277115.2(DNAH11):c.6527C>T; p.Ala2176Val; short protein forms A2176V.
Identifiers: ClinVar variation 410873 (VCV000410873.17), dbSNP rs770279400, ClinGen allele CA4180855.